The following is an entry in ClinVar:

NM_014855.3(AP5Z1):c.1201T>C (p.Phe401Leu)

Gene: AP5Z1 (adaptor related protein complex 5 subunit zeta 1; plus strand). Cytogenetic location: 7p22.1.
Variant type: single nucleotide variant.
Coding change: c.1201T>C on transcript NM_014855.3 (MANE Select); coding-DNA position 1201, T replaced by C.
Protein change: p.Phe401Leu; replaces phenylalanine 401 with leucine.
Molecular consequence: missense variant. On other transcripts: non-coding transcript variant (1).
Genome position (GRCh38, 1-based): chr7:4,786,318, T>C. VCF-style: chr7-4786318-T-C. GRCh37 (hg19) VCF-style: chr7-4825949-T-C.
Other names: c.733T>C, p.Phe245Leu (NM_001364858.1); short protein forms F245L, F401L.
Identifiers: ClinVar variation 2170111 (VCV002170111.1), dbSNP rs762942576, ClinGen allele CA4137679.

ClinVar aggregate classification (germline): Uncertain significance (1 of 4 stars; one submission).

Conditions:
Hereditary spastic paraplegia 48. Also called: SPASTIC PARAPLEGIA 48, AUTOSOMAL RECESSIVE; Spastic paraplegia 48. Identifiers: Orphanet 306511, MedGen C3150901, MONDO:0013342, OMIM 613647.

Allele frequency attached by ClinVar (database versions not stated): gnomAD 0.00001; TOPMed 0.00001; ExAC 0.00004.
gnomAD v4.1: 18 of 1,613,466 alleles (0.0011%); highest among the groups gnomAD compares: Admixed American, 0.03%; no homozygotes.

Submission:

Labcorp Genetics (formerly Invitae), Labcorp
Classification: Uncertain significance for Hereditary spastic paraplegia 48. Last evaluated: 2022-07-24. Review status: criteria provided, single submitter. Criteria: Invitae Variant Classification Sherloc (09022015). Collection method: clinical testing. Allele origin: germline.
Comment: This sequence change replaces phenylalanine, which is neutral and non-polar, with leucine, which is neutral and non-polar, at codon 401 of the AP5Z1 protein (p.Phe401Leu). This variant is present in population databases (rs762942576, gnomAD 0.04%). This variant has not been reported in the literature in individuals affected with AP5Z1-related conditions. Algorithms developed to predict the effect of missense changes on protein structure and function are either unavailable or do not agree on the potential impact of this missense change (SIFT: "Deleterious"; PolyPhen-2: "Possibly Damaging"; Align-GVGD: "Class C0"). In summary, the available evidence is currently insufficient to determine the role of this variant in disease. Therefore, it has been classified as a Variant of Uncertain Significance.